The following is an entry in ClinVar:

NM_014334.4(FRRS1L):c.637C>T (p.Pro213Ser)

Gene: FRRS1L (ferric chelate reductase 1 like; minus strand). Cytogenetic location: 9q31.3.
Variant type: single nucleotide variant.
Coding change: c.637C>T on transcript NM_014334.4 (MANE Select); coding-DNA position 637, C replaced by T.
Protein change: p.Pro213Ser; replaces proline 213 with serine.
Molecular consequence: missense variant.
Genome position (GRCh38, 1-based): chr9:109,141,415, G>A on the plus strand (C>T on the coding strand, the complement: FRRS1L is on the minus strand). VCF-style: chr9-109141415-G-A. GRCh37 (hg19) VCF-style: chr9-111903695-G-A.
Other names: short protein forms P213S.
Identifiers: ClinVar variation 1041525 (VCV001041525.9), dbSNP rs1026136727, ClinGen allele CA197563099.

ClinVar aggregate classification (germline): Uncertain significance (1 of 4 stars; one submission).

Conditions:
Developmental and epileptic encephalopathy, 37 (DEE37). Also called: Epileptic encephalopathy, early infantile, 37. Identifiers: MedGen C4310770, MONDO:0014859, OMIM 616981.

Allele frequency attached by ClinVar (database versions not stated): gnomAD exomes below 0.00001.
gnomAD v4.1: 5 of 1,614,042 alleles (0.00031%); highest among the groups gnomAD compares: Non-Finnish European, 0.00042%; no homozygotes.

Submission:

Labcorp Genetics (formerly Invitae), Labcorp
Classification: Uncertain significance for Developmental and epileptic encephalopathy, 37. Last evaluated: 2020-10-05. Review status: criteria provided, single submitter. Criteria: Invitae Variant Classification Sherloc (09022015). Collection method: clinical testing. Allele origin: germline.
Comment: In summary, the available evidence is currently insufficient to determine the role of this variant in disease. Therefore, it has been classified as a Variant of Uncertain Significance. This sequence change replaces proline with serine at codon 264 of the FRRS1L protein (p.Pro264Ser). The proline residue is highly conserved and there is a moderate physicochemical difference between proline and serine. This variant is not present in population databases (ExAC no frequency). This variant has not been reported in the literature in individuals with FRRS1L-related conditions. Algorithms developed to predict the effect of missense changes on protein structure and function are either unavailable or do not agree on the potential impact of this missense change (SIFT: "Deleterious"; PolyPhen-2: "Benign"; Align-GVGD: "Class C65").